The following is an entry in ClinVar:

ClinVar aggregate classification (germline): Pathogenic (1 of 4 stars; one submission).

Conditions:
Tuberous sclerosis 1 (TSC1). Identifiers: Orphanet 805, MedGen C1854465, MONDO:0008612, OMIM 191100.

Submission:

Labcorp Genetics (formerly Invitae), Labcorp
Classification: Pathogenic for Tuberous sclerosis 1. Last evaluated: 2025-08-25. Review status: criteria provided, single submitter. Criteria: Invitae Variant Classification Sherloc (09022015). Collection method: clinical testing. Allele origin: germline.
Comment: This sequence change creates a premature translational stop signal (p.Leu330Argfs*11) in the TSC1 gene. It is expected to result in an absent or disrupted protein product. Loss-of-function variants in TSC1 are known to be pathogenic (PMID: 10227394, 17304050). This variant is not present in population databases (gnomAD no frequency). This variant has not been reported in the literature in individuals affected with TSC1-related conditions. Algorithms developed to predict the effect of sequence changes on RNA splicing suggest that this variant may disrupt the consensus splice site. For these reasons, this variant has been classified as Pathogenic.

Literature cited by the submitters: PubMed 10227394; PubMed 17304050.

NM_000368.5(TSC1):c.988_989insG (p.Leu330fs)

Gene: TSC1 (TSC complex subunit 1; minus strand). Cytogenetic location: 9q34.13.
Variant type: Insertion.
Coding change: c.988_989insG on transcript NM_000368.5 (MANE Select); coding-DNA positions 988 to 989, G inserted.
Protein change: p.Leu330fs; shifts the reading frame from leucine 330.
Molecular consequence: frameshift variant. On other transcripts: 5 prime UTR variant (2), non-coding transcript variant (5).
Genome position: GRCh38 VCF-style: chr9-132911493-A-AC. GRCh37 (hg19) VCF-style: chr9-135786880-A-AC.
Other names: c.988_989insG, p.Leu330fs (NM_001162426.2, NM_001406592.1, NM_001406593.1 and 16 more transcripts); c.835_836insG, p.Leu279fs (NM_001162427.2, NM_001406610.1, NM_001406611.1 and 2 more transcripts); c.625_626insG, p.Leu209fs (NM_001362177.2, NM_001406621.1, NM_001406622.1 and 10 more transcripts); c.37_38insG, p.Leu13fs (NM_001406626.1, NM_001406627.1, NM_001406628.1); c.-106_-105insG (NM_001406629.1, NM_001406630.1); short protein forms L330fs, L209fs, L279fs, L13fs.
Identifiers: ClinVar variation 4726061 (VCV004726061.1).